The following is an entry in ClinVar:

NM_015215.4(CAMTA1):c.1515C>A (p.Ala505=)

Gene: CAMTA1 (calmodulin binding transcription activator 1; plus strand). Cytogenetic location: 1p36.23.
Variant type: single nucleotide variant.
Coding change: c.1515C>A on transcript NM_015215.4 (MANE Select); coding-DNA position 1515, C replaced by A.
Protein change: p.Ala505=; no amino-acid change (alanine 505 retained).
Molecular consequence: synonymous variant.
Genome position (GRCh38, 1-based): chr1:7,664,062, C>A. VCF-style: chr1-7664062-C-A. GRCh37 (hg19) VCF-style: chr1-7724122-C-A.
Other names: c.1425C>A, p.Ala475= (NM_001349608.2, NM_001349612.2); c.1515C>A, p.Ala505= (NM_001349609.2, NM_001349610.2, NM_001410737.1); c.1443C>A, p.Ala481= (NM_001410738.1).
Identifiers: ClinVar variation 4822982 (VCV004822982.4).

ClinVar aggregate classification (germline): Likely benign (1 of 4 stars; one submission).

Submission:

CeGaT Center for Human Genetics Tuebingen
Classification: Likely benign. Last evaluated: 2026-01-01. Review status: criteria provided, single submitter. Criteria: CeGaT Center For Human Genetics Tuebingen Variant Classification Criteria Version 2. Collection method: clinical testing. Allele origin: germline. Affected: yes. Observed: 1 variant allele.
Comment: CAMTA1: PM2:Supporting, BP4, BP7